The following is an entry in ClinVar:

ClinVar aggregate classification (germline): Conflicting classifications of pathogenicity. Review status: criteria provided, conflicting classifications (1 of 4 stars). 9 submissions from 9 submitters: Uncertain significance (5); Likely benign (2). 2 of the submissions do not count toward it. Last evaluated 2026-01-28.

Conditions:
FANCD2-related disorder. Also called: FANCD2-related condition.
Fanconi anemia complementation group D2. Also called: FANCD2-Related Fanconi Anemia; FANCONI PANCYTOPENIA, TYPE 4; FANCONI ANEMIA, COMPLEMENTATION GROUP D. Identifiers: Orphanet 84, MedGen C3160738, MONDO:0009214, OMIM 227646.
Fanconi anemia (FA). Also called: Fanconi's anemia. Identifiers: Orphanet 84, MedGen C0015625, MeSH D005199, MONDO:0019391.
Hepatoblastoma. Identifiers: Orphanet 449, MedGen C0206624, MONDO:0018666, HP:0002884.

Allele frequency attached by ClinVar (database versions not stated): 1000 Genomes Project 30x 0.00016; gnomAD exomes 0.00018 and 0.00053; 1000 Genomes Project 0.00020; gnomAD 0.00037 and 0.00039; TOPMed 0.00053; ExAC 0.00035.
gnomAD v4.1: 325 of 1,598,698 alleles (0.02%); highest among the groups gnomAD compares: Admixed American, 0.3%; 1 homozygote.

Submissions (9):

Labcorp Genetics (formerly Invitae), Labcorp
Classification: Likely benign for Fanconi anemia. Last evaluated: 2026-01-28. Review status: criteria provided, single submitter. Criteria: Invitae Variant Classification Sherloc (09022015). Collection method: clinical testing. Allele origin: germline.

Dasa
Classification: Uncertain significance. Last evaluated: 2025-08-05. Review status: criteria provided, single submitter. Criteria: DASA Assertion Criteria. Collection method: clinical testing. Allele origin: germline.
Comment: NM_001018115.3(FANCD2):c.2273G>C (p.Cys758Ser) is a missense variant that results in the substitution of cysteine with serine. This classification is supported by population frequency inconsistent with a disease-causing role. Computational prediction algorithms are consistent with a deleterious effect. The currently available literature and clinical evidence are not sufficient to establish a definitive association between this variant and the reported condition. Therefore, this variant is classified as a variant of uncertain significance.

GeneDx
Classification: Uncertain significance. Last evaluated: 2025-01-17. Review status: criteria provided, single submitter. Criteria: GeneDx Variant Classification Process June 2021. Collection method: clinical testing. Allele origin: germline. Affected: yes.
Comment: Identified in an individual with head and neck squamous cell carcinoma and in a cohort of probands from families with high breast cancer risk, however, detailed clinical information was not provided (PMID: 28678401, 30306255); Identified as heterozygous in a patient with hepatoblastoma, multiple congenital anomalies, and developmental delay. Patient also reported to have multiple additional variants in known/candidate cancer predisposition genes (PMID: 35495172); In silico analysis supports that this missense variant has a deleterious effect on protein structure/function; This variant is associated with the following publications: (PMID: 30306255, 35495172, 28678401, 39519399)

Women's Health and Genetics/Laboratory Corporation of America, LabCorp
Classification: Likely benign. Last evaluated: 2022-06-09. Review status: criteria provided, single submitter. Criteria: LabCorp Variant Classification Summary - May 2015. Collection method: clinical testing. Allele origin: germline.
Comment: Variant summary: FANCD2 c.2273G>C (p.Cys758Ser) results in a non-conservative amino acid change in the encoded protein sequence. Four of five in-silico tools predict a damaging effect of the variant on protein function. The variant allele was found at a frequency of 0.00053 in 251082 control chromosomes, predominantly at a frequency of 0.0033 within the Latino subpopulation in the gnomAD database, including 1 homozygote. The observed variant frequency within Latino control individuals in the gnomAD database is approximately 6.82 fold of the estimated maximal expected allele frequency for a pathogenic variant in FANCD2 causing Fanconi Anemia phenotype (0.00048), strongly suggesting that the variant is a benign polymorphism found primarily in populations of Latino origin. c.2273G>C has been reported in the literature in settings of multigene panel testing for head and neck squamous cell carcinoma (HNSCC) and breast cancer without strong evidence for causality (example Chandrasekharappa_2017, Bonache_2018). To our knowledge no individuals with the variant affected with Fanconi Anemia and no experimental evidence demonstrating an impact on protein function has been reported. Three clinical diagnostic laboratories have submitted clinical-significance assessments for this variant to ClinVar after 2014. Two laboratories classified the variant as VUS and one as likely benign. Based on the evidence outlined above, the variant was classified as likely benign.

Sema4
Classification: Uncertain significance for Fanconi anemia. Last evaluated: 2022-03-09. Review status: criteria provided, single submitter. Criteria: Sema4 Curation Guidelines. Collection method: curation. Allele origin: germline.
Comment: The FANCD2 c.2273G>C (p.C758S) variant has been reported in heterozygosity in at least one individual with breast and/or ovarian cancer and in at least one individual with head and neck squamous cell carcinoma (PMID: 30306255, 28678401). This variant was observed in 116/35412 chromosomes in the Latino population, with 1 homozygote, according to the Genome Aggregation Database (PMID: 32461654). It has been reported in ClinVar (Variation ID: 456351). In silico tools suggest the impact of the variant on protein function is deleterious, though these predictions have not been confirmed by functional studies. The evidence is insufficient to meet ACMG/AMP criteria for classifying the variant as benign or pathogenic. Thus, the clinical significance of this variant is currently uncertain.

Genetic Services Laboratory, University of Chicago
Classification: Uncertain significance. Last evaluated: 2021-01-04. Review status: criteria provided, single submitter. Criteria: ACMG Guidelines, 2015. Collection method: clinical testing. Allele origin: germline. Affected: no.
Comment: This sequence change has been previously described in a patient cohort with head and neck squamous cell carcinoma (HNSCC); no other details were provided (PMID: 28678401). This sequence change has been described in the gnomAD database with a relatively higher population frequency of 0.33% in the Latino subpoulation (dbSNP rs540805431). The p.Cys758Ser change affects a highly conserved amino acid residue located in a domain of the FANCD2 protein that is not known to be functional. In-silico pathogenicity prediction tools (SIFT, PolyPhen2, Align GVGD, REVEL) provide contradictory results for the p.Cys758Ser substitution. Due to these contrasting evidences and the lack of functional studies, the clinical significance of the p.Cys758Ser change remains unknown at this time.

Baylor Genetics
Classification: Uncertain significance for Fanconi anemia complementation group D2. Last evaluated: 2019-07-05. Review status: criteria provided, single submitter. Criteria: ACMG Guidelines, 2015. Collection method: clinical testing. Allele origin: unknown. Affected: yes. Study: CSER-TexasKidsCanSeq.
Comment: This variant was determined to be of uncertain significance according to ACMG Guidelines, 2015 [PMID:25741868].

PreventionGenetics, part of Exact Sciences
Classification: Likely benign for FANCD2-related condition. Last evaluated: 2023-06-13. Review status: no assertion criteria provided. Collection method: clinical testing. Allele origin: germline. Not counted in ClinVar's aggregate classification.
Comment: This variant is classified as likely benign based on ACMG/AMP sequence variant interpretation guidelines (Richards et al. 2015 PMID: 25741868, with internal and published modifications).

Molecular Oncology -  Human Genetics Lab, University of Sao Paulo
Classification: Uncertain significance for Hepatoblastoma. Review status: no assertion criteria provided. Collection method: research. Allele origin: germline. Affected: yes. Not counted in ClinVar's aggregate classification.

Literature cited by the submitters: PubMed 30306255 (cited by Women's Health and Genetics/Laboratory Corporation of America, LabCorp and Sema4); PubMed 28678401 (cited by Women's Health and Genetics/Laboratory Corporation of America, LabCorp and Sema4).

NM_001018115.3(FANCD2):c.2273G>C (p.Cys758Ser)

Genes: FANCD2 (FA complementation group D2; plus strand), LOC107303338 (3p25 FANCD2 Alu-mediated recombination region; plus strand). Cytogenetic location: 3p25.3.
Variant type: single nucleotide variant.
Coding change: c.2273G>C on transcript NM_001018115.3 (MANE Select); coding-DNA position 2273, G replaced by C.
Protein change: p.Cys758Ser; replaces cysteine 758 with serine.
Molecular consequence: missense variant.
Genome position (GRCh38, 1-based): chr3:10,065,867, G>C. VCF-style: chr3-10065867-G-C. GRCh37 (hg19) VCF-style: chr3-10107551-G-C.
Other names: c.2273G>C, p.Cys758Ser (NM_001319984.2, NM_001374254.1, NM_033084.6); c.2162G>C, p.Cys721Ser (NM_001374253.1); c.2273G>C (NM_001018115.2); short protein forms C758S, C721S.
Identifiers: ClinVar variation 456351 (VCV000456351.23), dbSNP rs540805431, ClinGen allele CA2250030.